The following is an entry in ClinVar:

ClinVar aggregate classification (germline): Uncertain significance (1 of 4 stars; one submission).

Submission:

Labcorp Genetics (formerly Invitae), Labcorp
Classification: Uncertain significance. Last evaluated: 2025-09-21. Review status: criteria provided, single submitter. Criteria: Invitae Variant Classification Sherloc (09022015). Collection method: clinical testing. Allele origin: germline.
Comment: This sequence change replaces phenylalanine, which is neutral and non-polar, with leucine, which is neutral and non-polar, at codon 571 of the TRPV6 protein (p.Phe571Leu). This variant is not present in population databases (gnomAD no frequency). This variant has not been reported in the literature in individuals affected with TRPV6-related conditions. An algorithm developed to predict the effect of missense changes on protein structure and function outputs the following: PolyPhen-2: "Not Available". The leucine amino acid residue is found in multiple mammalian species, which suggests that this missense change does not adversely affect protein function. In summary, the available evidence is currently insufficient to determine the role of this variant in disease. Therefore, it has been classified as a Variant of Uncertain Significance.

NM_018646.6(TRPV6):c.1713C>G (p.Phe571Leu)

Gene: TRPV6 (transient receptor potential cation channel subfamily V member 6; minus strand). Cytogenetic location: 7q34.
Variant type: single nucleotide variant.
Coding change: c.1713C>G on transcript NM_018646.6 (MANE Select); coding-DNA position 1713, C replaced by G.
Protein change: p.Phe571Leu; replaces phenylalanine 571 with leucine.
Molecular consequence: missense variant.
Genome position (GRCh38, 1-based): chr7:142,873,643, G>C on the plus strand (C>G on the coding strand, the complement: TRPV6 is on the minus strand). VCF-style: chr7-142873643-G-C. GRCh37 (hg19) VCF-style: chr7-142571396-G-C.
Other names: short protein forms F571L.
Identifiers: ClinVar variation 4804400 (VCV004804400.1).